The following is an entry in ClinVar:

ClinVar aggregate classification (germline): Uncertain significance. Review status: criteria provided, multiple submitters, no conflicts (2 of 4 stars). 5 submissions from 4 submitters: Uncertain significance (5). Last evaluated 2024-02-05.

Conditions:
Ectopia lentis et pupillae. Also called: ECTOPIA LENTIS WITH ECTOPIA OF PUPIL. Identifiers: Orphanet 1885, MedGen C1644196, MONDO:0009153, OMIM 225200.
Inborn genetic diseases. Identifiers: MedGen C0950123, MeSH D030342.
Ectopia lentis 2, isolated, autosomal recessive (ECTOL2). Identifiers: Orphanet 1885, MedGen C3541474, MONDO:0009152, OMIM 225100.

Allele frequency attached by ClinVar (database versions not stated): gnomAD 0.00013 and 0.00014; TOPMed 0.00014; ESP Exome Variant Server 0.00023; 1000 Genomes Project 0.00060; 1000 Genomes Project 30x 0.00062.
gnomAD v4.1: 223 of 1,610,910 alleles (0.014%); highest among the groups gnomAD compares: East Asian, 0.098%; 2 homozygotes.

Submissions (5):

Ambry Genetics
Classification: Uncertain significance for Inborn genetic diseases. Last evaluated: 2024-02-05. Review status: criteria provided, single submitter. Criteria: Ambry Variant Classification Scheme 2023. Collection method: clinical testing. Allele origin: germline.

Genome-Nilou Lab
Classification: Uncertain significance for Ectopia lentis et pupillae. Last evaluated: 2023-04-11. Review status: criteria provided, single submitter. Criteria: ACMG Guidelines, 2015. Collection method: clinical testing. Allele origin: germline. Affected: no.

Genome-Nilou Lab
Classification: Uncertain significance for Ectopia lentis 2, isolated, autosomal recessive. Last evaluated: 2023-04-11. Review status: criteria provided, single submitter. Criteria: ACMG Guidelines, 2015. Collection method: clinical testing. Allele origin: germline. Affected: no.

Labcorp Genetics (formerly Invitae), Labcorp
Classification: Uncertain significance. Last evaluated: 2022-10-05. Review status: criteria provided, single submitter. Criteria: Invitae Variant Classification Sherloc (09022015). Collection method: clinical testing. Allele origin: germline.
Comment: This sequence change replaces arginine, which is basic and polar, with glutamine, which is neutral and polar, at codon 864 of the ADAMTSL4 protein (p.Arg864Gln). This variant is present in population databases (rs143983374, gnomAD 0.04%). This variant has not been reported in the literature in individuals affected with ADAMTSL4-related conditions. ClinVar contains an entry for this variant (Variation ID: 292557). Algorithms developed to predict the effect of missense changes on protein structure and function (SIFT, PolyPhen-2, Align-GVGD) all suggest that this variant is likely to be disruptive. In summary, the available evidence is currently insufficient to determine the role of this variant in disease. Therefore, it has been classified as a Variant of Uncertain Significance.

Illumina Laboratory Services, Illumina
Classification: Uncertain significance for Ectopia lentis 2, isolated, autosomal recessive. Last evaluated: 2018-01-13. Review status: criteria provided, single submitter. Criteria: ICSL Variant Classification Criteria 13 December 2019. Collection method: clinical testing. Allele origin: germline.

NM_019032.6(ADAMTSL4):c.2591G>A (p.Arg864Gln)

Gene: ADAMTSL4 (ADAMTS like 4; plus strand). Cytogenetic location: 1q21.2.
Variant type: single nucleotide variant.
Coding change: c.2591G>A on transcript NM_019032.6 (MANE Select); coding-DNA position 2591, G replaced by A.
Protein change: p.Arg864Gln; replaces arginine 864 with glutamine.
Molecular consequence: missense variant.
Genome position (GRCh38, 1-based): chr1:150,558,993, G>A. VCF-style: chr1-150558993-G-A. GRCh37 (hg19) VCF-style: chr1-150531469-G-A.
Other names: c.2474G>A, p.Arg825Gln (NM_001288607.2); c.2660G>A, p.Arg887Gln (NM_001288608.2); c.2591G>A, p.Arg864Gln (NM_001378596.1); short protein forms R864Q, R825Q, R887Q.
Identifiers: ClinVar variation 292557 (VCV000292557.9), dbSNP rs143983374, ClinGen allele CA1078781.
Genomic context (GRCh38, chr1:150,558,993, plus strand): 5'-CTCACACAGGCCGCTCTCCTCCTCCGCAGTGCTCAGCCGAGTGTGGGACGGGAATCCAGC[G>A]GCGCTCTGTGGTCTGCCTTGGGAGTGGGGCAGCCCTCGGGCCAGGCCAGGGGGAAGCAGG-3'
Protein context (NP_061905.2, residues 854-874): CSAECGTGIQ[Arg864Gln]RSVVCLGSGA